The following is an entry in ClinVar:

ClinVar aggregate classification (germline): Likely pathogenic (1 of 4 stars; one submission).

Conditions:
Gaucher disease. Also called: Acute cerebral Gaucher disease; Cerebroside lipidosis syndrome; Gaucher splenomegaly; Sphingolipidosis 1; Glucocerebrosidosis; Glucosylceramidase deficiency. Identifiers: Orphanet 355, MedGen C0017205, MONDO:0018150.

gnomAD v4.1: 1 of 1,614,038 alleles (0.000062%); highest among the groups gnomAD compares: Non-Finnish European, 0.000085%; no homozygotes.

Submission:

Natera, Inc.
Classification: Likely pathogenic for Gaucher disease. Last evaluated: 2025-02-07. Review status: criteria provided, single submitter. Criteria: Natera Variant Classification Schema (03/2026). Collection method: clinical testing. Allele origin: germline.
Comment: The c.743G>A variant in GBA1 is a nonsense variant predicted to introduce a stop codon at amino acid 248. This variant is expected to result in nonsense mediated decay, truncation, or a dysfunctional protein product. This variant is rare in the general population with a frequency below the threshold expected for the associated phenotype(s). Given the available evidence, this variant is classified as Likely Pathogenic.

NM_000157.4(GBA1):c.743G>A (p.Trp248Ter)

Genes: GBA1 (glucosylceramidase beta 1; minus strand), LOC106627981 (GBA recombination region; plus strand). Cytogenetic location: 1q22.
Variant type: single nucleotide variant.
Coding change: c.743G>A on transcript NM_000157.4 (MANE Select); coding-DNA position 743, G replaced by A.
Protein change: p.Trp248Ter; replaces tryptophan 248 with a stop codon.
Molecular consequence: nonsense.
Genome position (GRCh38, 1-based): chr1:155,238,152, C>T on the plus strand (G>A on the coding strand, the complement: GBA1 is on the minus strand). VCF-style: chr1-155238152-C-T. GRCh37 (hg19) VCF-style: chr1-155207943-C-T.
Other names: c.743G>A, p.Trp248Ter (NM_001005741.3, NM_001005742.3); c.482G>A, p.Trp161Ter (NM_001171811.2); c.596G>A, p.Trp199Ter (NM_001171812.2); short protein forms W161*, W199*, W248*.
Identifiers: ClinVar variation 4817801 (VCV004817801.1).